The following is an entry in ClinVar:

NM_017849.4(TMEM127):c.635C>T (p.Ser212Leu)

Gene: TMEM127 (transmembrane protein 127; minus strand). Cytogenetic location: 2q11.2.
Variant type: single nucleotide variant.
Coding change: c.635C>T on transcript NM_017849.4 (MANE Select); coding-DNA position 635, C replaced by T.
Protein change: p.Ser212Leu; replaces serine 212 with leucine.
Molecular consequence: missense variant.
Genome position (GRCh38, 1-based): chr2:96,253,890, G>A on the plus strand (C>T on the coding strand, the complement: TMEM127 is on the minus strand). VCF-style: chr2-96253890-G-A. GRCh37 (hg19) VCF-style: chr2-96919628-G-A.
Other names: c.635C>T, p.Ser212Leu (NM_001193304.3); c.383C>T, p.Ser128Leu (NM_001407282.1, NM_001407283.1); short protein forms S128L, S212L.
Identifiers: ClinVar variation 4807595 (VCV004807595.1).
Genomic context (GRCh38, chr2:96,253,890, plus strand): 5'-GGCTGGAACTGGTTGATGACCTCATATTCCGCCGGGTAGGGCTCGTTCTCTTCCATCTCT[G>A]AGAGCAGCTCCAGCGCCTGCTCCTCTTCCTCTGTGGGGTAGTGGCGCAGGAGGTTGGCTG-3'
Protein context (NP_060319.1, residues 202-222): EEEEQALELL[Ser212Leu]EMEENEPYPA

ClinVar aggregate classification (germline): Uncertain significance (1 of 4 stars; one submission).

Conditions:
Hereditary pheochromocytoma and paraganglioma. Also called: Hereditary Paraganglioma-Pheochromocytoma Syndromes; Hereditary paragangliomas and pheochromocytomas; Hereditary pheochromocytoma-paraganglioma. Identifiers: Orphanet 29072, MedGen C4274332, MONDO:0017366.

Submission:

Labcorp Genetics (formerly Invitae), Labcorp
Classification: Uncertain significance for Hereditary pheochromocytoma and paraganglioma. Last evaluated: 2026-02-02. Review status: criteria provided, single submitter. Criteria: Invitae Variant Classification Sherloc (09022015). Collection method: clinical testing. Allele origin: germline.
Comment: This sequence change replaces serine, which is neutral and polar, with leucine, which is neutral and non-polar, at codon 212 of the TMEM127 protein (p.Ser212Leu). This variant is not present in population databases (gnomAD no frequency). This variant has not been reported in the literature in individuals affected with TMEM127-related conditions. An algorithm developed to predict the effect of missense changes on protein structure and function (PolyPhen-2) suggests that this variant is likely to be disruptive. In summary, the available evidence is currently insufficient to determine the role of this variant in disease. Therefore, it has been classified as a Variant of Uncertain Significance.